The following is an entry in ClinVar:

NM_000153.4(GALC):c.328+6A>G

Gene: GALC (galactosylceramidase; minus strand). Cytogenetic location: 14q31.3.
Variant type: single nucleotide variant.
Coding change: c.328+6A>G on transcript NM_000153.4 (MANE Select); 6 bases into the intron after coding-DNA position 328, A replaced by G.
Molecular consequence: intron variant.
Genome position (GRCh38, 1-based): chr14:87,988,138, T>C on the plus strand (A>G on the coding strand, the complement: GALC is on the minus strand). VCF-style: chr14-87988138-T-C. GRCh37 (hg19) VCF-style: chr14-88454482-T-C.
Other names: c.250+6A>G (NM_001201402.2); c.259+6A>G (NM_001201401.2).
Identifiers: ClinVar variation 314757 (VCV000314757.20), dbSNP rs201977747, ClinGen allele CA7297434.

ClinVar aggregate classification (germline): Conflicting classifications of pathogenicity. Review status: criteria provided, conflicting classifications (1 of 4 stars). 9 submissions from 9 submitters: Uncertain significance (5); Likely benign (1). 3 of the submissions do not count toward it. Last evaluated 2025-01-13.

Conditions:
Galactosylceramide beta-galactosidase deficiency. Also called: GALACTOCEREBROSIDASE DEFICIENCY; GALC DEFICIENCY; GLOBOID CELL LEUKOENCEPHALOPATHY; Krabbe Disease; Leukodystrophy, Globoid Cell. Identifiers: Orphanet 487, MedGen C0023521, MONDO:0009499, OMIM 245200.
Inborn genetic diseases. Identifiers: MedGen C0950123, MeSH D030342.

Allele frequency attached by ClinVar (database versions not stated): gnomAD exomes 0.00008 and 0.00011; ExAC 0.00009; TOPMed 0.00010; gnomAD 0.00011 and 0.00013; 1000 Genomes Project 30x 0.00031; 1000 Genomes Project 0.00040.
gnomAD v4.1: 143 of 1,611,618 alleles (0.0089%); highest among the groups gnomAD compares: Middle Eastern, 0.25%; no homozygotes.

Submissions (9):

Labcorp Genetics (formerly Invitae), Labcorp
Classification: Uncertain significance for Galactosylceramide beta-galactosidase deficiency. Last evaluated: 2025-01-13. Review status: criteria provided, single submitter. Criteria: Invitae Variant Classification Sherloc (09022015). Collection method: clinical testing. Allele origin: germline.
Comment: This sequence change falls in intron 3 of the GALC gene. It does not directly change the encoded amino acid sequence of the GALC protein. It affects a nucleotide within the consensus splice site. This variant is present in population databases (rs201977747, gnomAD 0.01%). This variant has not been reported in the literature in individuals affected with GALC-related conditions. ClinVar contains an entry for this variant (Variation ID: 314757). Variants that disrupt the consensus splice site are a relatively common cause of aberrant splicing (PMID: 17576681, 9536098). Algorithms developed to predict the effect of sequence changes on RNA splicing suggest that this variant may disrupt the consensus splice site. In summary, the available evidence is currently insufficient to determine the role of this variant in disease. Therefore, it has been classified as a Variant of Uncertain Significance.

Blueprint Genetics
Classification: Likely benign. Last evaluated: 2024-10-28. Review status: criteria provided, single submitter. Criteria: ACMG Guidelines, 2015. Collection method: clinical testing. Allele origin: germline.

Women's Health and Genetics/Laboratory Corporation of America, LabCorp
Classification: Uncertain significance. Last evaluated: 2024-08-31. Review status: criteria provided, single submitter. Criteria: LabCorp Variant Classification Summary - May 2015. Collection method: clinical testing. Allele origin: germline.

Ambry Genetics
Classification: Uncertain significance for Inborn genetic diseases. Last evaluated: 2021-01-11. Review status: criteria provided, single submitter. Criteria: Ambry Variant Classification Scheme 2023. Collection method: clinical testing. Allele origin: germline.
Comment: The c.328+6A>G intronic alteration consists of a A to G substitution 6 nucleotides after exon 3 (coding exon 3) of the GALC gene. In silico splice site analysis predicts that this alteration will not have any significant effect on splicing. Based on insufficient or conflicting evidence, the clinical significance of this alteration remains unclear.

Mayo Clinic Laboratories, Mayo Clinic
Classification: Uncertain significance. Last evaluated: 2020-05-01. Review status: criteria provided, single submitter. Criteria: ACMG Guidelines, 2015. Collection method: clinical testing. Allele origin: germline. Observed: 1 variant allele.

Illumina Laboratory Services, Illumina
Classification: Uncertain significance for Galactosylceramide beta-galactosidase deficiency. Last evaluated: 2018-01-12. Review status: criteria provided, single submitter. Criteria: ICSL Variant Classification Criteria 13 December 2019. Collection method: clinical testing. Allele origin: germline.

Natera, Inc.
Classification: Uncertain significance for Galactosylceramide beta-galactosidase deficiency. Last evaluated: 2020-04-18. Review status: no assertion criteria provided. Collection method: clinical testing. Allele origin: germline. Not counted in ClinVar's aggregate classification.

Clinical Genetics DNA and cytogenetics Diagnostics Lab, Erasmus MC, Erasmus Medical Center
Classification: Likely benign. Review status: no assertion criteria provided. Collection method: clinical testing. Allele origin: germline. Affected: yes. Study: VKGL Data-share Consensus. Not counted in ClinVar's aggregate classification.

Clinical Genetics, Academic Medical Center
Classification: Likely benign. Review status: no assertion criteria provided. Collection method: clinical testing. Allele origin: germline. Affected: yes. Study: VKGL Data-share Consensus. Not counted in ClinVar's aggregate classification.

Literature cited by the submitters: PubMed 17576681 (cited by Labcorp Genetics (formerly Invitae), Labcorp); PubMed 9536098 (cited by Labcorp Genetics (formerly Invitae), Labcorp).